The following is an entry in ClinVar:

ClinVar aggregate classification (germline): Likely pathogenic (1 of 4 stars; one submission).

Conditions:
X-linked agammaglobulinemia (XLA). Also called: Agammaglobulinemia, Bruton tyrosine kinase; Agammaglobulinemia, BTK; BTK-deficiency; Bruton's agammaglobulinemia; AGAMMAGLOBULINEMIA, X-LINKED, TYPE 1; Bruton-type agammaglobulinemia. Identifiers: Orphanet 229717, Orphanet 47, MedGen C0221026, MONDO:0010421, OMIM 300755.

Submission:

Department of Pediatrics, GMC Srinagar, Government Medical College Srinagar
Classification: Likely pathogenic for X-linked agammaglobulinemia. Last evaluated: 2025-11-27. Review status: criteria provided, single submitter. Criteria: ACMG Guidelines, 2015. Collection method: clinical testing. Allele origin: maternal. Inheritance: X-linked recessive inheritance. Affected: yes. Observed: 1 hemizygote.
Comment: This variant (hg38 - chrX:101371681 A>ACTGGACTCTTCACCTCTTCT) is classified as likely pathogenic as it a frameshift indel variant (LOF is mechanism of disease, NMD is predicted) and is absent in population databases [e.g., gnomAD v.4.1.0]. Indication for testing: X-linked agammaglobulinemia.

NM_000061.3(BTK):c.241_260dup

Gene: BTK (Bruton tyrosine kinase; minus strand). Cytogenetic location: Xq22.1.
Variant type: Duplication.
Coding change: c.241_260dup on transcript NM_000061.3 (MANE Select); coding-DNA positions 241 to 260, 20 bases duplicated (AGAAGAGGTGAAGAGTCCAG).
Molecular consequence: splice acceptor variant.
Genome position (GRCh38, 1-based): chrX:101,371,682-101,371,701, CTGGACTCTTCACCTCTTCT duplicated on the plus strand (AGAAGAGGTGAAGAGTCCAG on the coding strand, the reverse complement: BTK is on the minus strand); duplicating any 20 consecutive bases within chrX:101,371,682-101,371,704 gives the same sequence; the c. name uses the placement nearest the transcript's 3' end. VCF-style (leftmost placement, unchanged base first): chrX-101371681-A-ACTGGACTCTTCACCTCTTCT. GRCh37 (hg19) VCF-style: chrX-100626669-A-ACTGGACTCTTCACCTCTTCT.
Identifiers: ClinVar variation 4532279 (VCV004532279.1).